The following is an entry in ClinVar:

ClinVar aggregate classification (germline): Uncertain significance (1 of 4 stars; one submission).

Conditions:
Luscan-Lumish syndrome. Identifiers: Orphanet 597738, MedGen C4085873, MONDO:0014791, OMIM 616831.

Submission:

Labcorp Genetics (formerly Invitae), Labcorp
Classification: Uncertain significance for Luscan-Lumish syndrome. Last evaluated: 2026-01-07. Review status: criteria provided, single submitter. Criteria: Invitae Variant Classification Sherloc (09022015). Collection method: clinical testing. Allele origin: germline.
Comment: This sequence change replaces histidine, which is basic and polar, with tyrosine, which is neutral and polar, at codon 426 of the SETD2 protein (p.His426Tyr). This variant is not present in population databases (gnomAD no frequency). This variant has not been reported in the literature in individuals affected with SETD2-related conditions. Invitae Evidence Modeling of protein sequence and biophysical properties (such as structural, functional, and spatial information, amino acid conservation, physicochemical variation, residue mobility, and thermodynamic stability) indicates that this missense variant is not expected to disrupt SETD2 protein function with a negative predictive value of 80%. In summary, the available evidence is currently insufficient to determine the role of this variant in disease. Therefore, it has been classified as a Variant of Uncertain Significance.

NM_014159.7(SETD2):c.1276C>T (p.His426Tyr)

Gene: SETD2 (SET domain containing 2, histone lysine methyltransferase; minus strand). Cytogenetic location: 3p21.31.
Variant type: single nucleotide variant.
Coding change: c.1276C>T on transcript NM_014159.7 (MANE Select); coding-DNA position 1276, C replaced by T.
Protein change: p.His426Tyr; replaces histidine 426 with tyrosine.
Molecular consequence: missense variant. On other transcripts: non-coding transcript variant (1).
Genome position (GRCh38, 1-based): chr3:47,123,360, G>A on the plus strand (C>T on the coding strand, the complement: SETD2 is on the minus strand). VCF-style: chr3-47123360-G-A. GRCh37 (hg19) VCF-style: chr3-47164850-G-A.
Other names: c.1144C>T, p.His382Tyr (NM_001349370.3); short protein forms H426Y, H382Y.
Identifiers: ClinVar variation 4759696 (VCV004759696.1).